The following is an entry in ClinVar:

ClinVar aggregate classification (germline): Uncertain significance (1 of 4 stars; one submission).

gnomAD v4.1: 3 of 1,201,639 alleles (0.00025%); highest among the groups gnomAD compares: Non-Finnish European, 0.00034%; no homozygotes.

Submission:

Labcorp Genetics (formerly Invitae), Labcorp
Classification: Uncertain significance. Last evaluated: 2025-07-21. Review status: criteria provided, single submitter. Criteria: Invitae Variant Classification Sherloc (09022015). Collection method: clinical testing. Allele origin: germline.
Comment: This sequence change replaces leucine, which is neutral and non-polar, with phenylalanine, which is neutral and non-polar, at codon 665 of the CACNA1F protein (p.Leu665Phe). This variant is not present in population databases (gnomAD no frequency). This variant has not been reported in the literature in individuals affected with CACNA1F-related conditions. Invitae Evidence Modeling of protein sequence and biophysical properties (such as structural, functional, and spatial information, amino acid conservation, physicochemical variation, residue mobility, and thermodynamic stability) indicates that this missense variant is expected to disrupt CACNA1F protein function with a positive predictive value of 80%. In summary, the available evidence is currently insufficient to determine the role of this variant in disease. Therefore, it has been classified as a Variant of Uncertain Significance.

NM_001256789.3(CACNA1F):c.1960C>T (p.Leu654Phe)

Gene: CACNA1F (calcium voltage-gated channel subunit alpha1 F; minus strand). Cytogenetic location: Xp11.23.
Variant type: single nucleotide variant.
Coding change: c.1960C>T on transcript NM_001256789.3 (MANE Select); coding-DNA position 1960, C replaced by T.
Protein change: p.Leu654Phe; replaces leucine 654 with phenylalanine.
Molecular consequence: missense variant.
Genome position (GRCh38, 1-based): chrX:49,223,054, G>A on the plus strand (C>T on the coding strand, the complement: CACNA1F is on the minus strand). VCF-style: chrX-49223054-G-A. GRCh37 (hg19) VCF-style: chrX-49079513-G-A.
Other names: c.1798C>T, p.Leu600Phe (NM_001256790.3); c.1993C>T, p.Leu665Phe (NM_005183.4); short protein forms L600F, L654F, L665F.
Identifiers: ClinVar variation 4744160 (VCV004744160.1).
Genomic context (GRCh38, chrX:49,223,054, plus strand): 5'-CAAAGTTGAACTTGCCCCCAAACAGCTGCATGCCAAGCAGGGAGAAGATAATGATGAAGA[G>A]GAAGAGGAGAAGCAGCAAGGATGCGATGGATTTCATTGAATTGAGCAGGGATGCCACCAG-3'
Protein context (NP_001243718.1, residues 644-664): SIASLLLLLF[Leu654Phe]FIIIFSLLGM